The following is an entry in ClinVar:

NM_001942.4(DSG1):c.31A>G (p.Met11Val)

Gene: DSG1 (desmoglein 1; plus strand). Cytogenetic location: 18q12.1.
Variant type: single nucleotide variant.
Coding change: c.31A>G on transcript NM_001942.4 (MANE Select); coding-DNA position 31, A replaced by G.
Protein change: p.Met11Val; replaces methionine 11 with valine.
Molecular consequence: missense variant.
Genome position (GRCh38, 1-based): chr18:31,318,331, A>G. VCF-style: chr18-31318331-A-G. GRCh37 (hg19) VCF-style: chr18-28898294-A-G.
Other names: short protein forms M11V.
Identifiers: ClinVar variation 402801 (VCV000402801.18), dbSNP rs1426310, ClinGen allele CA8925724.
Genomic context (GRCh38, chr18:31,318,331, plus strand): 5'-TGGTCTTGGATGTAAGAGAATCCAGCAGAGATGGACTGGAGTTTCTTCAGAGTAGTTGCA[A>G]TGCTGTTCATTTTTCTGGTGAGTGGATTCTGGTAAAAGTCCTTCATAATCGTGCCCATTG-3'
Protein context (NP_001933.2, residues 1-21): MDWSFFRVVA[Met11Val]LFIFLVVVEV

ClinVar aggregate classification (germline): Benign. Review status: criteria provided, multiple submitters, no conflicts (2 of 4 stars). 6 submissions from 5 submitters: Benign (6). Last evaluated 2026-02-04.

Conditions:
Palmoplantar keratoderma i, striate, focal, or diffuse. Also called: KERATOSIS PALMOPLANTARIS STRIATA I; KERATODERMA, PALMOPLANTAR, STRIATE FORM I; STRIATE PALMOPLANTAR KERATODERMA I; PALMOPLANTAR KERATODERMA I, STRIATE OR DIFFUSE; PALMOPLANTAR KERATODERMA I, FOCAL; Keratosis Palmoplantaris Striata I, AD. Identifiers: Orphanet 369999, Orphanet 370002, MedGen C2931122, MONDO:0007859, OMIM 148700.
Severe dermatitis-multiple allergies-metabolic wasting syndrome. Also called: ERYTHRODERMA, CONGENITAL, WITH PALMOPLANTAR KERATODERMA, HYPOTRICHOSIS, RECURRENT INFECTIONS, AND MULTIPLE FOOD ALLERGIES; SEVERE DERMATITIS, MULTIPLE ALLERGIES, AND METABOLIC WASTING SYNDROME; SAM SYNDROME; Erythroderma, congenital, with palmoplantar keratoderma, hypotrichosis, and hyper-ige. Identifiers: Orphanet 369992, MedGen C3809719, MONDO:0014218, OMIM 615508.

Allele frequency attached by ClinVar (database versions not stated): 1000 Genomes Project 0.36262; 1000 Genomes Project 30x 0.36555; gnomAD exomes 0.42215 and 0.46446; TOPMed 0.42360; ExAC 0.43443; gnomAD 0.44589 and 0.45128; ESP Exome Variant Server 0.47993.

Submissions (6):

Labcorp Genetics (formerly Invitae), Labcorp
Classification: Benign. Last evaluated: 2026-02-04. Review status: criteria provided, single submitter. Criteria: Invitae Variant Classification Sherloc (09022015). Collection method: clinical testing. Allele origin: germline.

GeneDx
Classification: Benign. Last evaluated: 2021-10-27. Review status: criteria provided, single submitter. Criteria: GeneDx Variant Classification Process June 2021. Collection method: clinical testing. Allele origin: germline. Affected: yes.

Genome-Nilou Lab
Classification: Benign for Severe dermatitis-multiple allergies-metabolic wasting syndrome. Last evaluated: 2021-07-30. Review status: criteria provided, single submitter. Criteria: ACMG Guidelines, 2015. Collection method: clinical testing. Allele origin: germline. Affected: no.

Genome-Nilou Lab
Classification: Benign for Palmoplantar keratoderma i, striate, focal, or diffuse. Last evaluated: 2021-07-30. Review status: criteria provided, single submitter. Criteria: ACMG Guidelines, 2015. Collection method: clinical testing. Allele origin: germline. Affected: no.

Laboratory for Molecular Medicine, Mass General Brigham Personalized Medicine
Classification: Benign. Last evaluated: 2016-03-28. Review status: criteria provided, single submitter. Criteria: LMM Criteria. Collection method: clinical testing. Allele origin: germline.
Comment: Variant identified in a genome or exome case(s) and assessed due to predicted null impact of the variant or pathogenic assertions in the literature or databases. Disclaimer: This variant has not undergone full assessment. The following are preliminary notes: Frequency

Breakthrough Genomics
Classification: Benign. Review status: criteria provided, single submitter. Criteria: ACMG Guidelines, 2015. Collection method: not provided. Allele origin: germline. Inheritance: Autosomal recessive inheritance. Affected: yes.